The following is an entry in ClinVar:

ClinVar aggregate classification (germline): Pathogenic (1 of 4 stars; one submission).

Conditions:
Pyruvate dehydrogenase E3 deficiency (DLDD). Also called: DLD DEFICIENCY; E3 DEFICIENCY; Dihydrolipoamide Dehydrogenase E3 Deficiency; Dihydrolipoamide Dehydrogenase Deficiency; Dihydrolipoamide Dehydrogenase (E3) Deficiency; Lipoamide dehydrogenase deficiency, lactic acidosis due to. Identifiers: Orphanet 2394, Orphanet 765, MedGen C5574660, MONDO:0009529, OMIM 246900.

Submission:

Labcorp Genetics (formerly Invitae), Labcorp
Classification: Pathogenic for Pyruvate dehydrogenase E3 deficiency. Last evaluated: 2022-07-14. Review status: criteria provided, single submitter. Criteria: Invitae Variant Classification Sherloc (09022015). Collection method: clinical testing. Allele origin: germline.
Comment: For these reasons, this variant has been classified as Pathogenic. This variant has not been reported in the literature in individuals affected with DLD-related conditions. This variant is not present in population databases (gnomAD no frequency). This sequence change creates a premature translational stop signal (p.Met216Argfs*8) in the DLD gene. It is expected to result in an absent or disrupted protein product. Loss-of-function variants in DLD are known to be pathogenic (PMID: 8968745, 9934985).

Literature cited by the submitters: PubMed 8968745; PubMed 9934985.

NM_000108.5(DLD):c.647del (p.Met216fs)

Gene: DLD (dihydrolipoamide dehydrogenase; plus strand). Cytogenetic location: 7q31.1.
Variant type: Deletion.
Coding change: c.647del on transcript NM_000108.5 (MANE Select); coding-DNA position 647, one base deleted (T; older notation c.647delT).
Protein change: p.Met216fs; shifts the reading frame from methionine 216.
Molecular consequence: frameshift variant.
Genome position (GRCh38, 1-based): chr7:107,906,331, T deleted. VCF-style (leftmost placement, unchanged base first): chr7-107906330-AT-A. GRCh37 (hg19) VCF-style: chr7-107546775-AT-A.
Other names: c.350del, p.Met117fs (NM_001289750.1); c.578del, p.Met193fs (NM_001289751.1); c.503del, p.Met168fs (NM_001289752.1); short protein forms M193fs, M117fs, M168fs, M216fs.
Identifiers: ClinVar variation 2017211 (VCV002017211.4), dbSNP rs2535581669, ClinGen allele CA2580076194.